The following is an entry in ClinVar:

ClinVar aggregate classification (germline): Uncertain significance (1 of 4 stars; one submission).

Conditions:
Hereditary cancer-predisposing syndrome. Also called: Neoplastic Syndromes, Hereditary; Tumor predisposition; Hereditary neoplastic syndrome; Hereditary Cancer Syndrome. Identifiers: Orphanet 140162, MedGen C0027672, MeSH D009386, MONDO:0015356.

Allele frequency attached by ClinVar (database versions not stated): gnomAD 0.00001.

Submission:

Ambry Genetics
Classification: Uncertain significance for Hereditary cancer-predisposing syndrome. Last evaluated: 2023-11-21. Review status: criteria provided, single submitter. Criteria: Ambry Variant Classification Scheme 2023. Collection method: clinical testing. Allele origin: germline.
Comment: The p.M437I variant (also known as c.1311G>A), located in coding exon 9 of the ATM gene, results from a G to A substitution at nucleotide position 1311. The methionine at codon 437 is replaced by isoleucine, an amino acid with highly similar properties. This amino acid position is conserved. In addition, this alteration is predicted to be tolerated by in silico analysis. Since supporting evidence is limited at this time, the clinical significance of this alteration remains unclear.

NM_000051.4(ATM):c.1311G>A (p.Met437Ile)

Gene: ATM (ATM serine/threonine kinase; plus strand). Cytogenetic location: 11q22.3.
Variant type: single nucleotide variant.
Coding change: c.1311G>A on transcript NM_000051.4 (MANE Select); coding-DNA position 1311, G replaced by A.
Protein change: p.Met437Ile; replaces methionine 437 with isoleucine.
Molecular consequence: missense variant.
Genome position (GRCh38, 1-based): chr11:108,250,776, G>A. VCF-style: chr11-108250776-G-A. GRCh37 (hg19) VCF-style: chr11-108121503-G-A.
Other names: c.1311G>A, p.Met437Ile (NM_001351834.2); short protein forms M437I.
Identifiers: ClinVar variation 3232057 (VCV003232057.1), dbSNP rs2080094838, ClinGen allele CA382533636.